The following is an entry in ClinVar:

NM_000900.5(MGP):c.*604A>G

Genes: MGP (matrix Gla protein; minus strand), LOC126861465 (CDK7 strongly-dependent group 2 enhancer GRCh37_chr12:15033676-15034875; plus strand). Cytogenetic location: 12p12.3.
Variant type: single nucleotide variant.
Coding change: c.*604A>G on transcript NM_000900.5 (MANE Select); 604 bases downstream of the stop codon, A replaced by G.
Molecular consequence: 3 prime UTR variant.
Genome position (GRCh38, 1-based): chr12:14,881,535, T>C on the plus strand (A>G on the coding strand, the complement: MGP is on the minus strand). VCF-style: chr12-14881535-T-C. GRCh37 (hg19) VCF-style: chr12-15034469-T-C.
Other names: c.*604A>G (NM_001190839.3).
Identifiers: ClinVar variation 307758 (VCV000307758.5), dbSNP rs114512785, ClinGen allele CA10636902.

ClinVar aggregate classification (germline): Benign (1 of 4 stars; one submission).

Conditions:
Keutel syndrome (KTLS). Identifiers: Orphanet 85202, MedGen C1855607, MONDO:0009495, OMIM 245150.

Allele frequency attached by ClinVar (database versions not stated): 1000 Genomes Project 30x 0.00890; 1000 Genomes Project 0.00899; gnomAD 0.00945 and 0.01002; TOPMed 0.01030.

Submission:

Illumina Laboratory Services, Illumina
Classification: Benign for Keutel syndrome. Last evaluated: 2018-01-12. Review status: criteria provided, single submitter. Criteria: ICSL Variant Classification Criteria 13 December 2019. Collection method: clinical testing. Allele origin: germline.
Comment: This variant was observed in the ICSL laboratory as part of a predisposition screen in an ostensibly healthy population. It had not been previously curated by ICSL or reported in the Human Gene Mutation Database (HGMD: prior to June 1st, 2018), and was therefore a candidate for classification through an automated scoring system. Utilizing variant allele frequency, disease prevalence and penetrance estimates, and inheritance mode, an automated score was calculated to assess if this variant is too frequent to cause the disease. Based on the score and internal cut-off values, a variant classified as benign is not then subjected to further curation. The score for this variant resulted in a classification of benign for this disease.